The following is an entry in ClinVar:

NM_020458.4(TTC7A):c.805C>T (p.Arg269Trp)

Gene: TTC7A (tetratricopeptide repeat domain 7A; plus strand). Cytogenetic location: 2p21.
Variant type: single nucleotide variant.
Coding change: c.805C>T on transcript NM_020458.4 (MANE Select); coding-DNA position 805, C replaced by T.
Protein change: p.Arg269Trp; replaces arginine 269 with tryptophan.
Molecular consequence: missense variant. On other transcripts: 5 prime UTR variant (1).
Genome position (GRCh38, 1-based): chr2:46,993,490, C>T. VCF-style: chr2-46993490-C-T. GRCh37 (hg19) VCF-style: chr2-47220629-C-T.
Other names: c.805C>T, p.Arg269Trp (NM_001288951.2); c.703C>T, p.Arg235Trp (NM_001288953.2); c.-100C>T (NM_001288955.2); short protein forms R235W, R269W.
Identifiers: ClinVar variation 969940 (VCV000969940.8), dbSNP rs779629005, ClinGen allele CA1647364.

ClinVar aggregate classification (germline): Uncertain significance (1 of 4 stars; one submission).

Conditions:
Multiple gastrointestinal atresias. Also called: Multiple intestinal atresia; FAMILIAL INTESTINAL POLYATRESIA SYNDROME. Identifiers: Orphanet 2300, MedGen C0220744, MONDO:0009465.

Allele frequency attached by ClinVar (database versions not stated): ExAC 0.00001; gnomAD exomes 0.00001 and 0.00002; TOPMed 0.00001; gnomAD 0.00002.
gnomAD v4.1: 32 of 1,613,998 alleles (0.002%); highest among the groups gnomAD compares: Non-Finnish European, 0.0025%; no homozygotes.

Submission:

Labcorp Genetics (formerly Invitae), Labcorp
Classification: Uncertain significance for Multiple gastrointestinal atresias. Last evaluated: 2020-07-24. Review status: criteria provided, single submitter. Criteria: Invitae Variant Classification Sherloc (09022015). Collection method: clinical testing. Allele origin: germline.
Comment: In summary, the available evidence is currently insufficient to determine the role of this variant in disease. Therefore, it has been classified as a Variant of Uncertain Significance. Algorithms developed to predict the effect of missense changes on protein structure and function are either unavailable or do not agree on the potential impact of this missense change (SIFT: "Deleterious"; PolyPhen-2: "Probably Damaging"; Align-GVGD: "Class C0"). This variant has not been reported in the literature in individuals with TTC7A-related conditions. This variant is present in population databases (rs779629005, ExAC 0.001%). This sequence change replaces arginine with tryptophan at codon 269 of the TTC7A protein (p.Arg269Trp). The arginine residue is moderately conserved and there is a moderate physicochemical difference between arginine and tryptophan.